The following is an entry in ClinVar:

ClinVar aggregate classification (germline): Likely benign. Review status: criteria provided, multiple submitters, no conflicts (2 of 4 stars). 2 submissions from 2 submitters: Likely benign (2). Last evaluated 2026-08-01.

gnomAD v4.1: 7 of 1,613,878 alleles (0.00043%); highest among the groups gnomAD compares: Middle Eastern, 0.033%; no homozygotes.

Submissions (2):

CeGaT Center for Human Genetics Tuebingen
Classification: Likely benign. Last evaluated: 2026-08-01. Review status: criteria provided, single submitter. Criteria: CeGaT Center For Human Genetics Tuebingen Variant Classification Criteria Version 2. Collection method: clinical testing. Allele origin: germline. Affected: yes. Observed: 1 variant allele.
Comment: CIC: BP4, BP7

Women's Health and Genetics/Laboratory Corporation of America, LabCorp
Classification: Likely benign. Last evaluated: 2024-11-04. Review status: criteria provided, single submitter. Criteria: LabCorp Variant Classification Summary - May 2015. Collection method: clinical testing. Allele origin: germline.

NM_001386298.1(CIC):c.4017C>T (p.Ala1339=)

Gene: CIC (capicua transcriptional repressor; plus strand). Cytogenetic location: 19q13.2.
Variant type: single nucleotide variant.
Coding change: c.4017C>T on transcript NM_001386298.1 (MANE Select); coding-DNA position 4017, C replaced by T.
Protein change: p.Ala1339=; no amino-acid change (alanine 1339 retained).
Molecular consequence: synonymous variant.
Genome position (GRCh38, 1-based): chr19:42,289,336, C>T. VCF-style: chr19-42289336-C-T. GRCh37 (hg19) VCF-style: chr19-42793488-C-T.
Other names: c.4017C>T, p.Ala1339= (NM_001304815.2, NM_001379480.1, NM_001379482.1); c.1290C>T, p.Ala430= (NM_001379484.1, NM_001379485.1, NM_015125.5).
Identifiers: ClinVar variation 3629854 (VCV003629854.2).